The following is an entry in ClinVar:

NM_198586.3(NHLRC1):c.154C>G (p.Leu52Val)

Gene: NHLRC1 (NHL repeat containing E3 ubiquitin protein ligase 1; minus strand). Cytogenetic location: 6p22.3.
Variant type: single nucleotide variant.
Coding change: c.154C>G on transcript NM_198586.3 (MANE Select); coding-DNA position 154, C replaced by G.
Protein change: p.Leu52Val; replaces leucine 52 with valine.
Molecular consequence: missense variant.
Genome position (GRCh38, 1-based): chr6:18,122,453, G>C on the plus strand (C>G on the coding strand, the complement: NHLRC1 is on the minus strand). VCF-style: chr6-18122453-G-C. GRCh37 (hg19) VCF-style: chr6-18122684-G-C.
Other names: short protein forms L52V.
Identifiers: ClinVar variation 1999335 (VCV001999335.4), dbSNP rs2533898070, ClinGen allele CA362829436.

ClinVar aggregate classification (germline): Uncertain significance (1 of 4 stars; one submission).

Conditions:
Lafora disease. Also called: Epilepsy progressive myoclonic 2; Progressive Myoclonus Epilepsy, Lafora Type. Identifiers: Orphanet 501, MedGen C0751783, MONDO:0009697.

Allele frequency attached by ClinVar (database versions not stated): gnomAD exomes 0.00001.
gnomAD v4.1: 6 of 1,595,446 alleles (0.00038%); highest among the groups gnomAD compares: Non-Finnish European, 0.00051%; no homozygotes.

Submission:

Labcorp Genetics (formerly Invitae), Labcorp
Classification: Uncertain significance for Lafora disease. Last evaluated: 2022-05-27. Review status: criteria provided, single submitter. Criteria: Invitae Variant Classification Sherloc (09022015). Collection method: clinical testing. Allele origin: germline.
Comment: In summary, the available evidence is currently insufficient to determine the role of this variant in disease. Therefore, it has been classified as a Variant of Uncertain Significance. Algorithms developed to predict the effect of missense changes on protein structure and function are either unavailable or do not agree on the potential impact of this missense change (SIFT: "Tolerated"; PolyPhen-2: "Possibly Damaging"; Align-GVGD: "Class C0"). This variant has not been reported in the literature in individuals affected with NHLRC1-related conditions. This variant is not present in population databases (gnomAD no frequency). This sequence change replaces leucine, which is neutral and non-polar, with valine, which is neutral and non-polar, at codon 52 of the NHLRC1 protein (p.Leu52Val).